The following is an entry in ClinVar:

ClinVar aggregate classification (germline): Pathogenic/Likely pathogenic. Review status: criteria provided, multiple submitters, no conflicts (2 of 4 stars). 2 submissions from 2 submitters: Pathogenic (1); Likely pathogenic (1). Last evaluated 2025-07-15.

Conditions:
CTCF-related neurodevelopmental disorder. Also called: INTELLECTUAL DEVELOPMENTAL DISORDER, AUTOSOMAL DOMINANT 21; Intellectual disability-feeding difficulties-developmental delay-microcephaly syndrome. Identifiers: Orphanet 363611, MedGen C3809686, MONDO:0014213, OMIM 615502.

Submissions (2):

Variantyx, Inc.
Classification: Pathogenic for CTCF-related neurodevelopmental disorder. Last evaluated: 2025-07-15. Review status: criteria provided, single submitter. Criteria: Variantyx Assertion Criteria 2022. Collection method: clinical testing. Allele origin: de novo. Inheritance: Autosomal dominant inheritance. Affected: yes.
Comment: This is a canonical splicing variant in the CTCF gene (OMIM: 604167). Pathogenic variants in this gene have been associated with autosomal dominant intellectual developmental disorder 21. This splicing variant is expected to result in loss of function, which is a known disease mechanism for CTCF in this disorder (PMID: 23746550, 31239556) (PVS1). The alteration is absent from control populations (PM2, and it has not been reported in individuals with CTCF-related disorders in the databases available for review. Based on the current evidence, this variant is classified as pathogenic for autosomal dominant intellectual developmental disorder 21.

Revvity Omics, Revvity
Classification: Likely pathogenic. Last evaluated: 2022-03-14. Review status: criteria provided, single submitter. Criteria: ACMG Guidelines, 2015. Collection method: clinical testing. Allele origin: germline.

Literature cited by the submitters: PubMed 23746550 (cited by Variantyx, Inc.); PubMed 28619046 (cited by Variantyx, Inc.).

NM_006565.4(CTCF):c.782-1G>A

Gene: CTCF (CCCTC-binding factor; plus strand). Cytogenetic location: 16q22.1.
Variant type: single nucleotide variant.
Coding change: c.782-1G>A on transcript NM_006565.4 (MANE Select); the canonical splice acceptor site of the intron before coding-DNA position 782, G replaced by A.
Molecular consequence: splice acceptor variant. On other transcripts: intron variant (1).
Genome position (GRCh38, 1-based): chr16:67,611,950, G>A. VCF-style: chr16-67611950-G-A. GRCh37 (hg19) VCF-style: chr16-67645853-G-A.
Other names: c.782-1G>A (NM_001438969.1, NM_001438968.1, NM_001363916.2); c.-32-4795G>A (NM_001191022.2).
Identifiers: ClinVar variation 2439620 (VCV002439620.4), dbSNP rs2142827936, ClinGen allele CA396308675.